The following is an entry in ClinVar:

ClinVar aggregate classification (germline): Conflicting classifications of pathogenicity. Review status: criteria provided, conflicting classifications (1 of 4 stars). 2 submissions from 2 submitters: Uncertain significance (1); Likely benign (1). Last evaluated 2024-10-24.

Allele frequency attached by ClinVar (database versions not stated): gnomAD exomes 0.00001; TOPMed 0.00002.
gnomAD v4.1: 14 of 1,614,080 alleles (0.00087%); highest among the groups gnomAD compares: East Asian, 0.0022%; no homozygotes.

Submissions (2):

Labcorp Genetics (formerly Invitae), Labcorp
Classification: Likely benign. Last evaluated: 2024-10-24. Review status: criteria provided, single submitter. Criteria: Invitae Variant Classification Sherloc (09022015). Collection method: clinical testing. Allele origin: germline.

GeneDx
Classification: Uncertain significance. Last evaluated: 2020-10-26. Review status: criteria provided, single submitter. Criteria: GeneDx Variant Classification Process June 2021. Collection method: clinical testing. Allele origin: germline. Affected: yes.
Comment: In silico analysis supports that this missense variant does not alter protein structure/function; Has not been previously published as pathogenic or benign to our knowledge

NM_001655.5(ARCN1):c.1255G>A (p.Ala419Thr)

Gene: ARCN1 (archain 1 coat protein complex I subunit delta; plus strand). Cytogenetic location: 11q23.3.
Variant type: single nucleotide variant.
Coding change: c.1255G>A on transcript NM_001655.5 (MANE Select); coding-DNA position 1255, G replaced by A.
Protein change: p.Ala419Thr; replaces alanine 419 with threonine.
Molecular consequence: missense variant.
Genome position (GRCh38, 1-based): chr11:118,597,720, G>A. VCF-style: chr11-118597720-G-A. GRCh37 (hg19) VCF-style: chr11-118468435-G-A.
Other names: c.991G>A, p.Ala331Thr (NM_001142281.2); short protein forms A331T, A419T.
Identifiers: ClinVar variation 1313521 (VCV001313521.6), dbSNP rs576670749, ClinGen allele CA382816661.
Genomic context (GRCh38, chr11:118,597,720, plus strand): 5'-GTTCTAGCTCTGAACAGCTACCTTGACCAGAATGTTTCTCACAACAGGTCTGGTGTCGGC[G>A]CGCCTGTTATCGGTGAGATCGATGGGGAGTATCGACATGACAGTCGACGAAATACCCTGG-3'
Protein context (NP_001646.2, residues 409-429): ITIPLPSGVG[Ala419Thr]PVIGEIDGEY